The following is an entry in ClinVar:

ClinVar aggregate classification (germline): Pathogenic (1 of 4 stars; one submission).

Submission:

Labcorp Genetics (formerly Invitae), Labcorp
Classification: Pathogenic. Last evaluated: 2024-01-11. Review status: criteria provided, single submitter. Criteria: Invitae Variant Classification Sherloc (09022015). Collection method: clinical testing. Allele origin: unknown.
Comment: This variant is a gross deletion of the genomic region encompassing exon(s) 45-47 of the USH2A gene. This deletion is out-of-frame, and is expected to create a premature termination codon and result in an absent or disrupted protein product. Loss-of-function variants in USH2A are known to be pathogenic (PMID: 10729113, 10909849, 20507924, 25649381). A similar copy number variant has been observed in individual(s) with hearing impairment (PMID: 28000701). This variant is also known as c.(8845+1_8846-1)_(9371+1_9372-1)del. For these reasons, this variant has been classified as Pathogenic.

Literature cited by the submitters: PubMed 10729113; PubMed 10909849; PubMed 20507924; PubMed 25649381; PubMed 28000701.

NC_000001.10:g.(?_216011313)_(216019395_?)del

Gene: USH2A (usherin; minus strand). Cytogenetic location: 1q41.
Variant type: Deletion.
Identifiers: ClinVar variation 3248068 (VCV003248068.1).